The following is an entry in ClinVar:

ClinVar aggregate classification (germline): Uncertain significance (1 of 4 stars; one submission).

Allele frequency attached by ClinVar (database versions not stated): TOPMed below 0.00001.

Submission:

GeneDx
Classification: Uncertain significance. Last evaluated: 2022-02-17. Review status: criteria provided, single submitter. Criteria: GeneDx Variant Classification Process June 2021. Collection method: clinical testing. Allele origin: germline. Affected: yes.
Comment: Not observed at significant frequency in large population cohorts (gnomAD); In silico analysis supports that this missense variant has a deleterious effect on protein structure/function; Has not been previously published as pathogenic or benign to our knowledge

NM_032188.3(KAT8):c.769A>G (p.Lys257Glu)

Gene: KAT8 (lysine acetyltransferase 8; plus strand). Cytogenetic location: 16p11.2.
Variant type: single nucleotide variant.
Coding change: c.769A>G on transcript NM_032188.3 (MANE Select); coding-DNA position 769, A replaced by G.
Protein change: p.Lys257Glu; replaces lysine 257 with glutamic acid.
Molecular consequence: missense variant.
Genome position (GRCh38, 1-based): chr16:31,128,137, A>G. VCF-style: chr16-31128137-A-G. GRCh37 (hg19) VCF-style: chr16-31139458-A-G.
Other names: c.769A>G, p.Lys257Glu (NM_182958.4); short protein forms K257E.
Identifiers: ClinVar variation 1702629 (VCV001702629.2), dbSNP rs2057547425, ClinGen allele CA395674316.